The following is an entry in ClinVar:

ClinVar aggregate classification (germline): Conflicting classifications of pathogenicity. Review status: criteria provided, conflicting classifications (1 of 4 stars). 4 submissions from 4 submitters: Uncertain significance (1); Likely benign (3). Last evaluated 2026-06-11.

Conditions:
NEXMIF-related disorder. Also called: NEXMIF-related condition.

Allele frequency attached by ClinVar (database versions not stated): gnomAD 0.00001; gnomAD exomes 0.00002; TOPMed 0.00002.
gnomAD v4.1: 27 of 1,207,333 alleles (0.0022%); highest among the groups gnomAD compares: Non-Finnish European, 0.0029%; no homozygotes.

Submissions (4):

PreventionGenetics, part of Exact Sciences
Classification: Likely benign for NEXMIF-related condition. Last evaluated: 2026-06-11. Review status: criteria provided, single submitter. Criteria: ACMG Guidelines, 2015. Collection method: clinical testing. Allele origin: germline.
Comment: This variant is classified as likely benign based on ACMG/AMP sequence variant interpretation guidelines (Richards et al. 2015 PMID: 25741868, with internal and published modifications).

Blueprint Genetics
Classification: Likely benign. Last evaluated: 2023-03-28. Review status: criteria provided, single submitter. Criteria: ACMG Guidelines, 2015. Collection method: clinical testing. Allele origin: germline.

Labcorp Genetics (formerly Invitae), Labcorp
Classification: Likely benign. Last evaluated: 2022-10-13. Review status: criteria provided, single submitter. Criteria: Invitae Variant Classification Sherloc (09022015). Collection method: clinical testing. Allele origin: germline.

Breakthrough Genomics
Classification: Uncertain significance. Review status: criteria provided, single submitter. Criteria: ACMG Guidelines, 2015. Collection method: not provided. Allele origin: germline. Inheritance: X-linked dominant inheritance. Affected: yes.

NM_001008537.3(NEXMIF):c.2088C>T (p.Gly696=)

Gene: NEXMIF (neurite extension and migration factor; minus strand). Cytogenetic location: Xq13.3.
Variant type: single nucleotide variant.
Coding change: c.2088C>T on transcript NM_001008537.3 (MANE Select); coding-DNA position 2088, C replaced by T.
Protein change: p.Gly696=; no amino-acid change (glycine 696 retained).
Molecular consequence: synonymous variant.
Genome position (GRCh38, 1-based): chrX:74,742,469, G>A on the plus strand (C>T on the coding strand, the complement: NEXMIF is on the minus strand). VCF-style: chrX-74742469-G-A. GRCh37 (hg19) VCF-style: chrX-73962304-G-A.
Identifiers: ClinVar variation 850870 (VCV000850870.12), dbSNP rs1227333624, ClinGen allele CA517467400.